The following is an entry in ClinVar:

NM_005227.3(EFNA4):c.211G>A (p.Glu71Lys)

Genes: ADAM15-EFNA4 (ADAM15-EFNA4 readthrough; plus strand), EFNA4 (ephrin A4; plus strand), EFNA4-EFNA3 (EFNA4-EFNA3 readthrough; plus strand). Cytogenetic location: 1q21.3.
Variant type: single nucleotide variant.
Coding change: c.211G>A on transcript NM_005227.3 (MANE Select); coding-DNA position 211, G replaced by A.
Protein change: p.Glu71Lys; replaces glutamic acid 71 with lysine.
Molecular consequence: missense variant. On other transcripts: intron variant (1), non-coding transcript variant (1), 5 prime UTR variant (1).
Genome position (GRCh38, 1-based): chr1:155,066,827, G>A. VCF-style: chr1-155066827-G-A. GRCh37 (hg19) VCF-style: chr1-155039303-G-A.
Other names: c.211G>A, p.Glu71Lys (NM_182690.3, NM_182689.2); c.113+2891G>A (NM_001407761.1); c.-18G>A (NM_001406810.1); short protein forms E71K.
Identifiers: ClinVar variation 3704358 (VCV003704358.2).

ClinVar aggregate classification (germline): Uncertain significance (1 of 4 stars; one submission).

Submission:

Labcorp Genetics (formerly Invitae), Labcorp
Classification: Uncertain significance. Last evaluated: 2024-03-23. Review status: criteria provided, single submitter. Criteria: Invitae Variant Classification Sherloc (09022015). Collection method: clinical testing. Allele origin: germline.
Comment: This sequence change replaces glutamic acid, which is acidic and polar, with lysine, which is basic and polar, at codon 71 of the EFNA4 protein (p.Glu71Lys). This variant is present in population databases (rs770278541, gnomAD 0.006%). This missense change has been observed in individual(s) with craniosynostosis (PMID: 29215649). An algorithm developed to predict the effect of missense changes on protein structure and function (PolyPhen-2) suggests that this variant is likely to be disruptive. In summary, the available evidence is currently insufficient to determine the role of this variant in disease. Therefore, it has been classified as a Variant of Uncertain Significance.

Literature cited by the submitters: PubMed 29215649.